The following is an entry in ClinVar:

ClinVar aggregate classification (germline): Uncertain significance (1 of 4 stars; one submission).

Conditions:
Autosomal recessive limb-girdle muscular dystrophy type 2J (LGMDR10). Also called: MUSCULAR DYSTROPHY, LIMB-GIRDLE, AUTOSOMAL RECESSIVE 10; Limb-girdle muscular dystrophy, type 2J. Identifiers: Orphanet 140922, MedGen C1837342, MONDO:0012127, OMIM 608807.
Dilated cardiomyopathy 1G (CMD1G). Identifiers: Orphanet 154, MedGen C1858763, MONDO:0011400, OMIM 604145.

Submission:

Labcorp Genetics (formerly Invitae), Labcorp
Classification: Uncertain significance for Dilated cardiomyopathy 1G; Autosomal recessive limb-girdle muscular dystrophy type 2J. Last evaluated: 2020-09-16. Review status: criteria provided, single submitter. Criteria: Invitae Variant Classification Sherloc (09022015). Collection method: clinical testing. Allele origin: germline.
Comment: This variant is located in the M band of TTN (PMID: 25589632). Variants in this region may be relevant for neuromuscular disorders, but have not been definitively shown to cause cardiomyopathy (PMID: 23975875). In summary, the available evidence is currently insufficient to determine the role of this variant in disease. Therefore, it has been classified as a Variant of Uncertain Significance. Algorithms developed to predict the effect of missense changes on protein structure and function are unavailable for the TTN gene. This variant has not been reported in the literature in individuals with TTN-related conditions. This variant is not present in population databases (ExAC no frequency). This sequence change replaces leucine with proline at codon 34001 of the TTN protein (p.Leu34001Pro). There is a moderate physicochemical difference between leucine and proline.

Literature cited by the submitters: PubMed 25589632; PubMed 23975875.

NM_001267550.2(TTN):c.102002T>C (p.Leu34001Pro)

Genes: TTN-AS1 (TTN antisense RNA 1; plus strand), TTN (titin; minus strand). Cytogenetic location: 2q31.2.
Variant type: single nucleotide variant.
Coding change: c.102002T>C on transcript NM_001267550.2 (MANE Select); coding-DNA position 102002, T replaced by C.
Protein change: p.Leu34001Pro; replaces leucine 34001 with proline.
Molecular consequence: missense variant.
Genome position (GRCh38, 1-based): chr2:178,534,613, A>G on the plus strand (T>C on the coding strand, the complement: TTN is on the minus strand). VCF-style: chr2-178534613-A-G. GRCh37 (hg19) VCF-style: chr2-179399340-A-G.
Other names: c.97079T>C, p.Leu32360Pro (NM_001256850.1); c.74807T>C, p.Leu24936Pro (NM_003319.4); c.94298T>C, p.Leu31433Pro (NM_133378.4); c.75182T>C, p.Leu25061Pro (NM_133432.3); c.75383T>C, p.Leu25128Pro (NM_133437.4); short protein forms L24936P, L25061P, L25128P, L31433P, L32360P, L34001P.
Identifiers: ClinVar variation 1061310 (VCV001061310.7), dbSNP rs2154136066, ClinGen allele CA349418582.